The following is an entry in ClinVar:

ClinVar aggregate classification (germline): Uncertain significance (1 of 4 stars; one submission).

Conditions:
Inborn genetic diseases. Identifiers: MedGen C0950123, MeSH D030342.

Submission:

Ambry Genetics
Classification: Uncertain significance for Inborn genetic diseases. Last evaluated: 2023-09-23. Review status: criteria provided, single submitter. Criteria: Ambry Variant Classification Scheme 2023. Collection method: clinical testing. Allele origin: germline.
Comment: The p.P666S variant (also known as c.1996C>T), located in coding exon 12 of the EPAS1 gene, results from a C to T substitution at nucleotide position 1996. The proline at codon 666 is replaced by serine, an amino acid with similar properties. This amino acid position is conserved. In addition, this alteration is predicted to be tolerated by in silico analysis. Since supporting evidence is limited at this time, the clinical significance of this alteration remains unclear.

NM_001430.5(EPAS1):c.1996C>T (p.Pro666Ser)

Gene: EPAS1 (endothelial PAS domain protein 1; plus strand). Cytogenetic location: 2p21.
Variant type: single nucleotide variant.
Coding change: c.1996C>T on transcript NM_001430.5 (MANE Select); coding-DNA position 1996, C replaced by T.
Protein change: p.Pro666Ser; replaces proline 666 with serine.
Molecular consequence: missense variant.
Genome position (GRCh38, 1-based): chr2:46,380,668, C>T. VCF-style: chr2-46380668-C-T. GRCh37 (hg19) VCF-style: chr2-46607807-C-T.
Other names: short protein forms P666S.
Identifiers: ClinVar variation 3221591 (VCV003221591.1), dbSNP rs1684868143, ClinGen allele CA346705312.